The following is an entry in ClinVar:

NM_001401501.2(MUC16):c.8697C>T (p.Leu2899=)

Gene: MUC16 (mucin 16, cell surface associated; minus strand). Cytogenetic location: 19p13.2.
Variant type: single nucleotide variant.
Coding change: c.8697C>T on transcript NM_001401501.2 (MANE Select); coding-DNA position 8697, C replaced by T.
Protein change: p.Leu2899=; no amino-acid change (leucine 2899 retained).
Molecular consequence: synonymous variant.
Genome position (GRCh38, 1-based): chr19:8,972,562, G>A on the plus strand (C>T on the coding strand, the complement: MUC16 is on the minus strand). VCF-style: chr19-8972562-G-A. GRCh37 (hg19) VCF-style: chr19-9083238-G-A.
Other names: c.9123C>T, p.Leu3041= (NM_001414686.1); c.8577C>T, p.Leu2859= (NM_001414687.1, NM_024690.2).
Identifiers: ClinVar variation 2649264 (VCV002649264.24), dbSNP rs2513083869, ClinGen allele CA505426947.

ClinVar aggregate classification (germline): Likely benign (1 of 4 stars; one submission).

Allele frequency attached by ClinVar (database versions not stated): gnomAD exomes below 0.00001.

Submission:

CeGaT Center for Human Genetics Tuebingen
Classification: Likely benign. Last evaluated: 2022-05-01. Review status: criteria provided, single submitter. Criteria: CeGaT Center For Human Genetics Tuebingen Variant Classification Criteria Version 2. Collection method: clinical testing. Allele origin: germline. Affected: yes. Observed: 1 variant allele.
Comment: MUC16: PM2:Supporting, BP4, BP7